The following is an entry in ClinVar:

ClinVar aggregate classification (germline): Pathogenic (1 of 4 stars; one submission).

Conditions:
Maple syrup urine disease (MSUD). Identifiers: Orphanet 511, MedGen C0024776, MeSH D008375, MONDO:0009563. Disease mechanism: loss of function.

Submission:

Labcorp Genetics (formerly Invitae), Labcorp
Classification: Pathogenic for Maple syrup urine disease. Last evaluated: 2021-10-14. Review status: criteria provided, single submitter. Criteria: Invitae Variant Classification Sherloc (09022015). Collection method: clinical testing. Allele origin: germline.
Comment: This sequence change creates a premature translational stop signal (p.Arg178Trpfs*9) in the DBT gene. It is expected to result in an absent or disrupted protein product. Loss-of-function variants in DBT are known to be pathogenic (PMID: 16579849, 16786533). This variant is not present in population databases (ExAC no frequency). This variant has not been reported in the literature in individuals affected with DBT-related conditions. For these reasons, this variant has been classified as Pathogenic.

Literature cited by the submitters: PubMed 16579849; PubMed 16786533.

NM_001918.5(DBT):c.531_537del (p.Arg178fs)

Gene: DBT (dihydrolipoamide branched chain transacylase E2; minus strand). Cytogenetic location: 1p21.2.
Variant type: Deletion.
Coding change: c.531_537del on transcript NM_001918.5 (MANE Select); coding-DNA positions 531 to 537, 7 bases deleted (TCGCCGT; older notation c.531_537delTCGCCGT).
Protein change: p.Arg178fs; shifts the reading frame from arginine 178.
Molecular consequence: frameshift variant.
Genome position (GRCh38, 1-based): chr1:100,218,644-100,218,650, ACGGCGA deleted on the plus strand (TCGCCGT on the coding strand, the reverse complement: DBT is on the minus strand); deleting any 7 consecutive bases within chr1:100,218,644-100,218,652 gives the same sequence; the c. name uses the placement nearest the transcript's 3' end. VCF-style (leftmost placement, unchanged base first): chr1-100218643-GACGGCGA-G. GRCh37 (hg19) VCF-style: chr1-100684199-GACGGCGA-G.
Other names: short protein forms R178fs.
Identifiers: ClinVar variation 1452719 (VCV001452719.6), dbSNP rs1372109444, ClinGen allele CA524718021.